The following is an entry in ClinVar:

NM_017999.5(RNF31):c.1208C>T (p.Ala403Val)

Gene: RNF31 (ring finger protein 31; plus strand). Cytogenetic location: 14q12.
Variant type: single nucleotide variant.
Coding change: c.1208C>T on transcript NM_017999.5 (MANE Select); coding-DNA position 1208, C replaced by T.
Protein change: p.Ala403Val; replaces alanine 403 with valine.
Molecular consequence: missense variant.
Genome position (GRCh38, 1-based): chr14:24,150,608, C>T. VCF-style: chr14-24150608-C-T. GRCh37 (hg19) VCF-style: chr14-24619817-C-T.
Other names: c.755C>T, p.Ala252Val (NM_001310332.2); short protein forms A252V, A403V.
Identifiers: ClinVar variation 2746676 (VCV002746676.3), dbSNP rs1288628853, ClinGen allele CA389292594.

ClinVar aggregate classification (germline): Uncertain significance (1 of 4 stars; one submission).

Submission:

Labcorp Genetics (formerly Invitae), Labcorp
Classification: Uncertain significance. Last evaluated: 2023-07-25. Review status: criteria provided, single submitter. Criteria: Invitae Variant Classification Sherloc (09022015). Collection method: clinical testing. Allele origin: germline.
Comment: In summary, the available evidence is currently insufficient to determine the role of this variant in disease. Therefore, it has been classified as a Variant of Uncertain Significance. An algorithm developed to predict the effect of missense changes on protein structure and function (PolyPhen-2) suggests that this variant is likely to be tolerated. This variant has not been reported in the literature in individuals affected with RNF31-related conditions. This variant is not present in population databases (gnomAD no frequency). This sequence change replaces alanine, which is neutral and non-polar, with valine, which is neutral and non-polar, at codon 403 of the RNF31 protein (p.Ala403Val).